The following is an entry in ClinVar:

NM_000426.4(LAMA2):c.8484C>G (p.Asp2828Glu)

Gene: LAMA2 (laminin subunit alpha 2; plus strand). Cytogenetic location: 6q22.33.
Variant type: single nucleotide variant.
Coding change: c.8484C>G on transcript NM_000426.4 (MANE Select); coding-DNA position 8484, C replaced by G.
Protein change: p.Asp2828Glu; replaces aspartic acid 2828 with glutamic acid.
Molecular consequence: missense variant.
Genome position (GRCh38, 1-based): chr6:129,503,217, C>G. VCF-style: chr6-129503217-C-G. GRCh37 (hg19) VCF-style: chr6-129824362-C-G.
Other names: c.8472C>G, p.Asp2824Glu (NM_001079823.2); short protein forms D2824E, D2828E.
Identifiers: ClinVar variation 1028257 (VCV001028257.1), dbSNP rs1785788819, ClinGen allele CA365634269.
Genomic context (GRCh38, chr6:129,503,217, plus strand): 5'-CAATCATGCTGATTTTGCAACAGTTCAGCTGAGAAATGGATTGCCCTACTTCAGCTATGA[C>G]TTGGGGAGTGGGGACACCCACACCATGATCCCCACCAAAATCAATGATGGCCAGTGGCAC-3'
Protein context (NP_000417.3, residues 2818-2838): LRNGLPYFSY[Asp2828Glu]LGSGDTHTMI

ClinVar aggregate classification (germline): Uncertain significance (1 of 4 stars; one submission).

Conditions:
Merosin deficient congenital muscular dystrophy (MDC1A). Also called: Congenital Muscular Dystrophy Type 1A (MDC1A); Congenital merosin-deficient muscular dystrophy 1A. Identifiers: Orphanet 258, MedGen C1263858, MONDO:0011925, OMIM 607855.

Submission:

Baylor Genetics
Classification: Uncertain significance for Merosin deficient congenital muscular dystrophy. Last evaluated: 2020-08-27. Review status: criteria provided, single submitter. Criteria: ACMG Guidelines, 2015. Collection method: clinical testing. Allele origin: unknown. Affected: yes.
Comment: This variant was determined to be of uncertain significance according to ACMG Guidelines, 2015 [PMID:25741868].